The following is an entry in ClinVar:

ClinVar aggregate classification (germline): Uncertain significance (1 of 4 stars; one submission).

Conditions:
Charcot-Marie-Tooth disease type 4. Also called: Charcot-Marie-Tooth disease, type IV; Charcot-Marie-Tooth, Type 4. Identifiers: Orphanet 64749, MedGen C4082197, MONDO:0018995.

Allele frequency attached by ClinVar (database versions not stated): gnomAD exomes 0.00001; TOPMed 0.00001; gnomAD 0.00001; ExAC 0.00002; ESP Exome Variant Server 0.00008.
gnomAD v4.1: 10 of 1,613,996 alleles (0.00062%); highest among the groups gnomAD compares: African/African-American, 0.0013%; no homozygotes.

Submission:

Labcorp Genetics (formerly Invitae), Labcorp
Classification: Uncertain significance for Charcot-Marie-Tooth disease type 4. Last evaluated: 2021-05-17. Review status: criteria provided, single submitter. Criteria: Invitae Variant Classification Sherloc (09022015). Collection method: clinical testing. Allele origin: germline.
Comment: Algorithms developed to predict the effect of missense changes on protein structure and function output the following: SIFT: "Tolerated"; PolyPhen-2: "Not Available"; Align-GVGD: "Class C0". The glutamine amino acid residue is found in multiple mammalian species, suggesting that this missense change does not adversely affect protein function. These predictions have not been confirmed by published functional studies and their clinical significance is uncertain. This sequence change replaces arginine with glutamine at codon 242 of the FGD4 protein (p.Arg242Gln). The arginine residue is highly conserved and there is a small physicochemical difference between arginine and glutamine. This variant is present in population databases (rs372866502, ExAC 0.003%). This variant has not been reported in the literature in individuals with FGD4-related conditions. In summary, the available evidence is currently insufficient to determine the role of this variant in disease. Therefore, it has been classified as a Variant of Uncertain Significance.

NM_001370298.3(FGD4):c.1136G>A (p.Arg379Gln)

Gene: FGD4 (FYVE, RhoGEF and PH domain containing 4; plus strand). Cytogenetic location: 12p11.21.
Variant type: single nucleotide variant.
Coding change: c.1136G>A on transcript NM_001370298.3 (MANE Select); coding-DNA position 1136, G replaced by A.
Protein change: p.Arg379Gln; replaces arginine 379 with glutamine.
Molecular consequence: missense variant. On other transcripts: 5 prime UTR variant (2).
Genome position (GRCh38, 1-based): chr12:32,601,312, G>A. VCF-style: chr12-32601312-G-A. GRCh37 (hg19) VCF-style: chr12-32754246-G-A.
Other names: c.980G>A, p.Arg327Gln (NM_001304481.2); c.-20G>A (NM_001304483.2); c.-327G>A (NM_001304484.2); c.446G>A, p.Arg149Gln (NM_001330373.2, NM_001330374.2, NM_001384130.1); c.173G>A, p.Arg58Gln (NM_001370297.1); c.1136G>A, p.Arg379Gln (NM_001384126.1); c.725G>A, p.Arg242Gln (NM_001384127.1, NM_001384128.1, NM_001385118.1 and 1 more transcripts); short protein forms R242Q, R379Q, R149Q, R327Q, R58Q.
Identifiers: ClinVar variation 1397251 (VCV001397251.7), dbSNP rs372866502, ClinGen allele CA6506709.